The following is an entry in ClinVar:

ClinVar aggregate classification (germline): Uncertain significance. Review status: criteria provided, multiple submitters, no conflicts (2 of 4 stars). 3 submissions from 3 submitters: Uncertain significance (3). Last evaluated 2025-02-13.

Conditions:
Hereditary cancer-predisposing syndrome. Also called: Neoplastic Syndromes, Hereditary; Hereditary Cancer Syndrome; Tumor predisposition; Hereditary neoplastic syndrome. Identifiers: Orphanet 140162, MedGen C0027672, MeSH D009386, MONDO:0015356.
Familial adenomatous polyposis 1 (FAP1). Also called: POLYPOSIS, ADENOMATOUS INTESTINAL; FAMILIAL ADENOMATOUS POLYPOSIS 1, ATTENUATED. Identifiers: MedGen C2713442, MONDO:0021056, OMIM 175100. Disease mechanism: loss of function.

Submissions (3):

Ambry Genetics
Classification: Uncertain significance for Hereditary cancer-predisposing syndrome. Last evaluated: 2025-02-13. Review status: criteria provided, single submitter. Criteria: Ambry Variant Classification Scheme 2023. Collection method: clinical testing. Allele origin: germline.
Comment: The p.D1722N variant (also known as c.5164G>A), located in coding exon 15 of the APC gene, results from a G to A substitution at nucleotide position 5164. The aspartic acid at codon 1722 is replaced by asparagine, an amino acid with highly similar properties. This amino acid position is well conserved in available vertebrate species. In addition, in silico predictors for this gene do not accurately predict pathogenicity. Missense alterations in APC are not a common cause of disease (Spier I et al. Genet Med. 2024 Feb;26(2):100992). Based on the available evidence, the clinical significance of this variant remains unclear.

Labcorp Genetics (formerly Invitae), Labcorp
Classification: Uncertain significance for Familial adenomatous polyposis 1. Last evaluated: 2020-02-17. Review status: criteria provided, single submitter. Criteria: Invitae Variant Classification Sherloc (09022015). Collection method: clinical testing. Allele origin: germline.
Comment: This sequence change replaces aspartic acid with asparagine at codon 1722 of the APC protein (p.Asp1722Asn). The aspartic acid residue is highly conserved and there is a small physicochemical difference between aspartic acid and asparagine. This variant is not present in population databases (ExAC no frequency). This variant has not been reported in the literature in individuals with APC-related conditions. Algorithms developed to predict the effect of missense changes on protein structure and function are either unavailable or do not agree on the potential impact of this missense change (SIFT: "Deleterious"; PolyPhen-2: "Possibly Damaging"; Align-GVGD: "Class C15"). In summary, the available evidence is currently insufficient to determine the role of this variant in disease. Therefore, it has been classified as a Variant of Uncertain Significance.

Baylor Genetics
Classification: Uncertain significance for Familial adenomatous polyposis 1. Last evaluated: 2018-10-30. Review status: criteria provided, single submitter. Criteria: ACMG Guidelines, 2015. Collection method: clinical testing. Allele origin: maternal. Affected: yes. Study: CSER-TexasKidsCanSeq.
Comment: This variant was determined to be of uncertain significance according to ACMG Guidelines, 2015 [PMID:25741868].

NM_000038.6(APC):c.5164G>A (p.Asp1722Asn)

Gene: APC (APC regulator of Wnt signaling pathway; plus strand). Cytogenetic location: 5q22.2.
Variant type: single nucleotide variant.
Coding change: c.5164G>A on transcript NM_000038.6 (MANE Select); coding-DNA position 5164, G replaced by A.
Protein change: p.Asp1722Asn; replaces aspartic acid 1722 with asparagine.
Molecular consequence: missense variant.
Genome position (GRCh38, 1-based): chr5:112,840,758, G>A. VCF-style: chr5-112840758-G-A. GRCh37 (hg19) VCF-style: chr5-112176455-G-A.
Other names: c.5164G>A, p.Asp1722Asn (NM_001127510.3, NM_001354895.2); c.5110G>A, p.Asp1704Asn (NM_001127511.3); c.5218G>A, p.Asp1740Asn (NM_001354896.2); c.5194G>A, p.Asp1732Asn (NM_001354897.2); c.5089G>A, p.Asp1697Asn (NM_001354898.2); c.5080G>A, p.Asp1694Asn (NM_001354899.2); c.5041G>A, p.Asp1681Asn (NM_001354900.2); c.4987G>A, p.Asp1663Asn (NM_001354901.2); and 5 more; short protein forms D1439N, D1562N, D1596N, D1621N, D1631N, D1663N, D1681N, D1694N.
Identifiers: ClinVar variation 997657 (VCV000997657.14), dbSNP rs1765864921, ClinGen allele CA16032617.